The following is an entry in ClinVar:

NM_003738.5(PTCH2):c.1496G>A (p.Gly499Asp)

Gene: PTCH2 (patched 2; minus strand). Cytogenetic location: 1p34.1.
Variant type: single nucleotide variant.
Coding change: c.1496G>A on transcript NM_003738.5 (MANE Select); coding-DNA position 1496, G replaced by A.
Protein change: p.Gly499Asp; replaces glycine 499 with aspartic acid.
Molecular consequence: missense variant.
Genome position (GRCh38, 1-based): chr1:44,828,600, C>T on the plus strand (G>A on the coding strand, the complement: PTCH2 is on the minus strand). VCF-style: chr1-44828600-C-T. GRCh37 (hg19) VCF-style: chr1-45294272-C-T.
Other names: c.1496G>A, p.Gly499Asp (NM_001166292.2); short protein forms G499D.
Identifiers: ClinVar variation 2011060 (VCV002011060.4), dbSNP rs2148876555, ClinGen allele CA340100892.

ClinVar aggregate classification (germline): Uncertain significance (1 of 4 stars; one submission).

Conditions:
Gorlin syndrome. Also called: Nevoid Basal Cell Carcinoma Syndrome; Basal cell nevus syndrome. Identifiers: Orphanet 377, MedGen C0004779, MONDO:0007187.

Submission:

Labcorp Genetics (formerly Invitae), Labcorp
Classification: Uncertain significance for Gorlin syndrome. Last evaluated: 2022-07-16. Review status: criteria provided, single submitter. Criteria: Invitae Variant Classification Sherloc (09022015). Collection method: clinical testing. Allele origin: germline.
Comment: This sequence change replaces glycine, which is neutral and non-polar, with aspartic acid, which is acidic and polar, at codon 499 of the PTCH2 protein (p.Gly499Asp). This variant is not present in population databases (gnomAD no frequency). This variant has not been reported in the literature in individuals affected with PTCH2-related conditions. Algorithms developed to predict the effect of missense changes on protein structure and function (SIFT, PolyPhen-2, Align-GVGD) all suggest that this variant is likely to be disruptive. In summary, the available evidence is currently insufficient to determine the role of this variant in disease. Therefore, it has been classified as a Variant of Uncertain Significance.